The following is an entry in ClinVar:

ClinVar aggregate classification (germline): Likely benign. Review status: criteria provided, single submitter (1 of 4 stars). 2 submissions from 2 submitters: Likely benign (1). 1 of the submissions does not count toward it. Last evaluated 2024-12-09.

Conditions:
Rubinstein-Taybi syndrome (RSTS). Identifiers: Orphanet 783, MedGen C0035934, MONDO:0019188.
CREBBP-related disorder. Also called: CREBBP-related condition; CREBBP-related disorders.

Allele frequency attached by ClinVar (database versions not stated): TOPMed below 0.00001; ExAC 0.00001.
gnomAD v4.1: 10 of 1,614,198 alleles (0.00062%); highest among the groups gnomAD compares: Middle Eastern, 0.016%; no homozygotes.

Submissions (2):

Labcorp Genetics (formerly Invitae), Labcorp
Classification: Likely benign for Rubinstein-Taybi syndrome. Last evaluated: 2024-12-09. Review status: criteria provided, single submitter. Criteria: Invitae Variant Classification Sherloc (09022015). Collection method: clinical testing. Allele origin: germline.

PreventionGenetics, part of Exact Sciences
Classification: Likely benign for CREBBP-related condition. Last evaluated: 2023-11-27. Review status: no assertion criteria provided. Collection method: clinical testing. Allele origin: germline. Not counted in ClinVar's aggregate classification.
Comment: This variant is classified as likely benign based on ACMG/AMP sequence variant interpretation guidelines (Richards et al. 2015 PMID: 25741868, with internal and published modifications).

NM_004380.3(CREBBP):c.4185T>C (p.Ala1395=)

Gene: CREBBP (CREB binding lysine acetyltransferase; minus strand). Cytogenetic location: 16p13.3.
Variant type: single nucleotide variant.
Coding change: c.4185T>C on transcript NM_004380.3 (MANE Select); coding-DNA position 4185, T replaced by C.
Protein change: p.Ala1395=; no amino-acid change (alanine 1395 retained).
Molecular consequence: synonymous variant.
Genome position (GRCh38, 1-based): chr16:3,739,673, A>G on the plus strand (T>C on the coding strand, the complement: CREBBP is on the minus strand). VCF-style: chr16-3739673-A-G. GRCh37 (hg19) VCF-style: chr16-3789674-A-G.
Other names: c.4185T>C (NM_004380.2); c.4071T>C, p.Ala1357= (NM_001079846.1).
Identifiers: ClinVar variation 1959686 (VCV001959686.6), dbSNP rs767900786, ClinGen allele CA7869584.